The following is an entry in ClinVar:

NM_001972.4(ELANE):c.367-8C>A

Gene: ELANE (elastase, neutrophil expressed; plus strand). Cytogenetic location: 19p13.3.
Variant type: single nucleotide variant.
Coding change: c.367-8C>A on transcript NM_001972.4 (MANE Select); 8 bases into the intron before coding-DNA position 367, C replaced by A.
Molecular consequence: intron variant.
Genome position (GRCh38, 1-based): chr19:855,556, C>A. VCF-style: chr19-855556-C-A. GRCh37 (hg19) VCF-style: chr19-855556-C-A.
Identifiers: ClinVar variation 1402531 (VCV001402531.9), dbSNP rs200752339, ClinGen allele CA501167.

ClinVar aggregate classification (germline): Pathogenic. Review status: criteria provided, single submitter (1 of 4 stars). 2 submissions from 2 submitters: Pathogenic (1). 1 of the submissions does not count toward it. Last evaluated 2022-02-10.

Conditions:
Cyclical neutropenia. Also called: Cyclic Neutropenia; Cyclic hematopoiesis. Identifiers: Orphanet 2686, MedGen C0221023, MONDO:0008090, OMIM 162800, HP:0040289. Disease mechanism: loss of function.
Neutropenia, severe congenital, 1, autosomal dominant. Identifiers: MedGen C1859966, MONDO:0042490, OMIM 202700.

Submissions (2):

Labcorp Genetics (formerly Invitae), Labcorp
Classification: Pathogenic for Neutropenia, severe congenital, 1, autosomal dominant; Cyclical neutropenia. Last evaluated: 2022-02-10. Review status: criteria provided, single submitter. Criteria: Invitae Variant Classification Sherloc (09022015). Collection method: clinical testing. Allele origin: germline.
Comment: This variant has been observed in individual(s) with severe congenital neutropenia (PMID: 21425445, 30171085). In at least one individual the variant was observed to be de novo. This variant is also known as IVS3-8sa, C4477A. Algorithms developed to predict the effect of sequence changes on RNA splicing suggest that this variant may disrupt the consensus splice site. For these reasons, this variant has been classified as Pathogenic. This variant is not present in population databases (gnomAD no frequency). This sequence change falls in intron 3 of the ELANE gene. It does not directly change the encoded amino acid sequence of the ELANE protein.

Laboratory of Immunopathology and Genetics, Medical Laboratory of Pediatric Oncology and Hematology, Central Clinical Hospital of the Medical University of Lodz
Classification: Pathogenic for Neutropenia, severe congenital, 1, autosomal dominant. Last evaluated: 2024-12-01. Review status: no assertion criteria provided. Collection method: clinical testing. Allele origin: germline. Affected: yes. Observed: 1 variant allele. Not counted in ClinVar's aggregate classification.

Literature cited by the submitters: PubMed 21425445 (cited by Labcorp Genetics (formerly Invitae), Labcorp); PubMed 30171085 (cited by Labcorp Genetics (formerly Invitae), Labcorp and Laboratory of Immunopathology and Genetics, Medical Laboratory of Pediatric Oncology and Hematology, Central Clinical Hospital of the Medical University of Lodz).